The following is an entry in ClinVar:

ClinVar aggregate classification (germline): Uncertain significance. Review status: criteria provided, multiple submitters, no conflicts (2 of 4 stars). 2 submissions from 2 submitters: Uncertain significance (2). Last evaluated 2025-03-28.

Conditions:
Neuroblastoma, susceptibility to, 3. Also called: ALK-Related Neuroblastic Tumor Susceptibility. Identifiers: Orphanet 635, MedGen C2751681, MONDO:0013083, OMIM 613014.
Hereditary cancer-predisposing syndrome. Also called: Neoplastic Syndromes, Hereditary; Hereditary Cancer Syndrome; Hereditary neoplastic syndrome; Tumor predisposition. Identifiers: Orphanet 140162, MedGen C0027672, MeSH D009386, MONDO:0015356.

Submissions (2):

Ambry Genetics
Classification: Uncertain significance for Hereditary cancer-predisposing syndrome. Last evaluated: 2025-03-28. Review status: criteria provided, single submitter. Criteria: Ambry Variant Classification Scheme 2023. Collection method: clinical testing. Allele origin: germline.
Comment: The p.M1089I variant (also known as c.3267G>A), located in coding exon 20 of the ALK gene, results from a G to A substitution at nucleotide position 3267. The methionine at codon 1089 is replaced by isoleucine, an amino acid with highly similar properties. This amino acid position is conserved. In addition, the in silico prediction for this alteration is inconclusive. Based on the available evidence, the clinical significance of this variant remains unclear.

Labcorp Genetics (formerly Invitae), Labcorp
Classification: Uncertain significance for Neuroblastoma, susceptibility to, 3. Last evaluated: 2024-02-06. Review status: criteria provided, single submitter. Criteria: Invitae Variant Classification Sherloc (09022015). Collection method: clinical testing. Allele origin: germline.
Comment: This sequence change replaces methionine, which is neutral and non-polar, with isoleucine, which is neutral and non-polar, at codon 1089 of the ALK protein (p.Met1089Ile). This variant is not present in population databases (gnomAD no frequency). This variant has not been reported in the literature in individuals affected with ALK-related conditions. ClinVar contains an entry for this variant (Variation ID: 645271). An algorithm developed to predict the effect of missense changes on protein structure and function (PolyPhen-2) suggests that this variant is likely to be tolerated. In summary, the available evidence is currently insufficient to determine the role of this variant in disease. Therefore, it has been classified as a Variant of Uncertain Significance.

NM_004304.5(ALK):c.3267G>A (p.Met1089Ile)

Gene: ALK (ALK receptor tyrosine kinase; minus strand). Cytogenetic location: 2p23.2.
Variant type: single nucleotide variant.
Coding change: c.3267G>A on transcript NM_004304.5 (MANE Select); coding-DNA position 3267, G replaced by A.
Protein change: p.Met1089Ile; replaces methionine 1089 with isoleucine.
Molecular consequence: missense variant.
Genome position (GRCh38, 1-based): chr2:29,223,434, C>T on the plus strand (G>A on the coding strand, the complement: ALK is on the minus strand). VCF-style: chr2-29223434-C-T. GRCh37 (hg19) VCF-style: chr2-29446300-C-T.
Other names: c.63G>A, p.Met21Ile (NM_001353765.2); short protein forms M1089I, M21I.
Identifiers: ClinVar variation 645271 (VCV000645271.9), dbSNP rs1573125389, ClinGen allele CA346465063.